The following is an entry in ClinVar:

ClinVar aggregate classification (germline): Conflicting classifications of pathogenicity. Review status: criteria provided, conflicting classifications (1 of 4 stars). 3 submissions from 2 submitters: Uncertain significance (1); Likely benign (2). Last evaluated 2024-12-02.

Conditions:
Autosomal recessive ataxia, Beauce type. Also called: SYNE1 Deficiency; SYNE1-Related Autosomal Recessive Cerebellar Ataxia; Spinocerebellar ataxia, autosomal recessive 8; ATAXIA, RECESSIVE, OF BEAUCE. Identifiers: Orphanet 88644, MedGen C1853116, MONDO:0012549, OMIM 610743.
Emery-Dreifuss muscular dystrophy 4, autosomal dominant (EDMD4). Also called: EMERY-DREIFUSS MUSCULAR DYSTROPHY 4 WITH VARIABLE FEATURES. Identifiers: Orphanet 261, MedGen C2751807, MONDO:0013071, OMIM 612998.

Allele frequency attached by ClinVar (database versions not stated): TOPMed 0.00002; gnomAD 0.00003; gnomAD exomes 0.00011 and 0.00021; ExAC 0.00012; 1000 Genomes Project 30x 0.00016; 1000 Genomes Project 0.00020.
gnomAD v4.1: 301 of 1,614,182 alleles (0.019%); highest among the groups gnomAD compares: East Asian, 0.66%; 2 homozygotes.

Submissions (3):

Labcorp Genetics (formerly Invitae), Labcorp
Classification: Uncertain significance for Emery-Dreifuss muscular dystrophy 4, autosomal dominant; Autosomal recessive ataxia, Beauce type. Last evaluated: 2024-12-02. Review status: criteria provided, single submitter. Criteria: Invitae Variant Classification Sherloc (09022015). Collection method: clinical testing. Allele origin: germline.
Comment: This sequence change replaces valine, which is neutral and non-polar, with alanine, which is neutral and non-polar, at codon 2399 of the SYNE1 protein (p.Val2399Ala). This variant is present in population databases (rs199558070, gnomAD 0.1%). This variant has not been reported in the literature in individuals affected with SYNE1-related conditions. ClinVar contains an entry for this variant (Variation ID: 355914). An algorithm developed to predict the effect of missense changes on protein structure and function outputs the following: PolyPhen-2: "Benign". The alanine amino acid residue is found in multiple mammalian species, which suggests that this missense change does not adversely affect protein function. In summary, the available evidence is currently insufficient to determine the role of this variant in disease. Therefore, it has been classified as a Variant of Uncertain Significance.

Illumina Laboratory Services, Illumina
Classification: Likely benign for Autosomal recessive ataxia, Beauce type. Last evaluated: 2017-04-27. Review status: criteria provided, single submitter. Criteria: ICSL Variant Classification Criteria 13 December 2019. Collection method: clinical testing. Allele origin: germline.
Comment: This variant was observed as part of a predisposition screen in an ostensibly healthy population. A literature search was performed for the gene, cDNA change, and amino acid change (where applicable). No publications were found based on this search. Allele frequency data from public databases allowed determination this variant is unlikely to cause disease. Therefore, this variant is classified as likely benign.

Illumina Laboratory Services, Illumina
Classification: Likely benign for Emery-Dreifuss muscular dystrophy 4, autosomal dominant. Last evaluated: 2017-04-27. Review status: criteria provided, single submitter. Criteria: ICSL Variant Classification Criteria 13 December 2019. Collection method: clinical testing. Allele origin: germline.
Comment: the same text as in the submission from Illumina Laboratory Services, Illumina above.

NM_182961.4(SYNE1):c.7175T>C (p.Val2392Ala)

Gene: SYNE1 (spectrin repeat containing nuclear envelope protein 1; minus strand). Cytogenetic location: 6q25.2.
Variant type: single nucleotide variant.
Coding change: c.7175T>C on transcript NM_182961.4 (MANE Select); coding-DNA position 7175, T replaced by C.
Protein change: p.Val2392Ala; replaces valine 2392 with alanine.
Molecular consequence: missense variant.
Genome position (GRCh38, 1-based): chr6:152,399,678, A>G on the plus strand (T>C on the coding strand, the complement: SYNE1 is on the minus strand). VCF-style: chr6-152399678-A-G. GRCh37 (hg19) VCF-style: chr6-152720813-A-G.
Other names: c.7196T>C, p.Val2399Ala (NM_033071.5); short protein forms V2399A, V2392A.
Identifiers: ClinVar variation 355914 (VCV000355914.12), dbSNP rs199558070, ClinGen allele CA4057897.